The following is an entry in ClinVar:

ClinVar aggregate classification (germline): Likely benign (0 of 4 stars; one submission).

Conditions:
ABCG8-related disorder. Also called: ABCG8-related condition.

Submission:

PreventionGenetics, part of Exact Sciences
Classification: Likely benign for ABCG8-related condition. Last evaluated: 2021-04-19. Review status: no assertion criteria provided. Collection method: clinical testing. Allele origin: germline.
Comment: This variant is classified as likely benign based on ACMG/AMP sequence variant interpretation guidelines (Richards et al. 2015 PMID: 25741868, with internal and published modifications).

NM_022437.3(ABCG8):c.1530C>A (p.Ile510=)

Gene: ABCG8 (ATP binding cassette subfamily G member 8; plus strand). Cytogenetic location: 2p21.
Variant type: single nucleotide variant.
Coding change: c.1530C>A on transcript NM_022437.3 (MANE Select); coding-DNA position 1530, C replaced by A.
Protein change: p.Ile510=; no amino-acid change (isoleucine 510 retained).
Molecular consequence: synonymous variant.
Genome position (GRCh38, 1-based): chr2:43,875,187, C>A. VCF-style: chr2-43875187-C-A. GRCh37 (hg19) VCF-style: chr2-44102326-C-A.
Other names: c.1527C>A, p.Ile509= (NM_001357321.2).
Identifiers: ClinVar variation 3030051 (VCV003030051.2), dbSNP rs2466282817, ClinGen allele CA425908137.